The following is an entry in ClinVar:

ClinVar aggregate classification (germline): Uncertain significance. Review status: criteria provided, multiple submitters, no conflicts (2 of 4 stars). 2 submissions from 2 submitters: Uncertain significance (2). Last evaluated 2024-09-09.

gnomAD v4.1: 7 of 1,613,922 alleles (0.00043%); highest among the groups gnomAD compares: Non-Finnish European, 0.00059%; no homozygotes.

Submissions (2):

Ambry Genetics
Classification: Uncertain significance. Last evaluated: 2024-09-09. Review status: criteria provided, single submitter. Criteria: Ambry Variant Classification Scheme 2023. Collection method: clinical testing. Allele origin: germline.
Comment: The p.G1094R variant (also known as c.3280G>A), located in coding exon 1 of the MLH3 gene, results from a G to A substitution at nucleotide position 3280. The amino acid change results in glycine to arginine at codon 1094, an amino acid with dissimilar properties. However, this change occurs in the last base pair of coding exon 1, which makes it likely to have some effect on normal mRNA splicing. This nucleotide position is highly conserved in available vertebrate species. In silico splice site analysis predicts that this alteration may result in the creation or strengthening of a novel splice donor site. This amino acid position is highly conserved in available vertebrate species. In addition, as a missense substitution this is predicted to be deleterious by in silico analysis. The evidence for this gene-disease relationship is limited; therefore, the clinical significance of this alteration is unclear.

Genetic Services Laboratory, University of Chicago
Classification: Uncertain significance. Last evaluated: 2023-02-13. Review status: criteria provided, single submitter. Criteria: ACMG Guidelines, 2015. Collection method: clinical testing. Allele origin: germline. Affected: no.
Comment: DNA sequence analysis of the MLH3 gene demonstrated a sequence change, c.3280G>A, in exon 2 that results in an amino acid change, p.Gly1094Arg. This sequence change does not appear to have been previously described in individuals with MLH3-related disorders and has also not been described in population databases such as ExAC and gnomAD. The p.Gly1094Arg change affects a highly conserved amino acid residue located in a domain of the MLH3 protein that is not known to be functional. In-silico pathogenicity prediction tools (SIFT, PolyPhen2, Align GVGD, REVEL) provide contradictory results for the p.Gly1094Arg substitution. Due to insufficient evidence and the lack of functional studies, the clinical significance of the p.Gly1094Arg change remains unknown at this time.

NM_001040108.2(MLH3):c.3280G>A (p.Gly1094Arg)

Gene: MLH3 (mutL homolog 3; minus strand). Cytogenetic location: 14q24.3.
Variant type: single nucleotide variant.
Coding change: c.3280G>A on transcript NM_001040108.2 (MANE Select); coding-DNA position 3280, G replaced by A.
Protein change: p.Gly1094Arg; replaces glycine 1094 with arginine.
Molecular consequence: missense variant.
Genome position (GRCh38, 1-based): chr14:75,046,376, C>T on the plus strand (G>A on the coding strand, the complement: MLH3 is on the minus strand). VCF-style: chr14-75046376-C-T. GRCh37 (hg19) VCF-style: chr14-75513079-C-T.
Other names: c.3280G>A, p.Gly1094Arg (NM_014381.3); short protein forms G1094R.
Identifiers: ClinVar variation 3396639 (VCV003396639.3).